The following is an entry in ClinVar:

ClinVar aggregate classification (germline): Uncertain significance. Review status: criteria provided, multiple submitters, no conflicts (2 of 4 stars). 2 submissions from 2 submitters: Uncertain significance (2). Last evaluated 2025-11-23.

Conditions:
Inborn genetic diseases. Identifiers: MedGen C0950123, MeSH D030342.

Allele frequency attached by ClinVar (database versions not stated): gnomAD exomes below 0.00001; gnomAD 0.00001; TOPMed 0.00001.
gnomAD v4.1: 3 of 1,613,994 alleles (0.00019%); highest among the groups gnomAD compares: Non-Finnish European, 0.00025%; no homozygotes.

Submissions (2):

Labcorp Genetics (formerly Invitae), Labcorp
Classification: Uncertain significance. Last evaluated: 2025-11-23. Review status: criteria provided, single submitter. Criteria: Invitae Variant Classification Sherloc (09022015). Collection method: clinical testing. Allele origin: germline.
Comment: This sequence change replaces glutamic acid, which is acidic and polar, with glycine, which is neutral and non-polar, at codon 181 of the RP1 protein (p.Glu181Gly). This variant is present in population databases (no rsID available, gnomAD 0.002%). This variant has not been reported in the literature in individuals affected with RP1-related conditions. ClinVar contains an entry for this variant (Variation ID: 2061863). An algorithm developed to predict the effect of missense changes on protein structure and function (PolyPhen-2) suggests that this variant is likely to be disruptive. In summary, the available evidence is currently insufficient to determine the role of this variant in disease. Therefore, it has been classified as a Variant of Uncertain Significance.

Ambry Genetics
Classification: Uncertain significance for Inborn genetic diseases. Last evaluated: 2025-09-01. Review status: criteria provided, single submitter. Criteria: Ambry Variant Classification Scheme 2023. Collection method: clinical testing. Allele origin: germline.

NM_006269.2(RP1):c.542A>G (p.Glu181Gly)

Gene: RP1 (RP1 axonemal microtubule associated; plus strand). Cytogenetic location: 8q12.1.
Variant type: single nucleotide variant.
Coding change: c.542A>G on transcript NM_006269.2 (MANE Select); coding-DNA position 542, A replaced by G.
Protein change: p.Glu181Gly; replaces glutamic acid 181 with glycine.
Molecular consequence: missense variant.
Genome position (GRCh38, 1-based): chr8:54,621,508, A>G. VCF-style: chr8-54621508-A-G. GRCh37 (hg19) VCF-style: chr8-55534068-A-G.
Other names: c.542A>G (NM_006269.1); c.542A>G, p.Glu181Gly (NM_001375654.1); short protein forms E181G.
Identifiers: ClinVar variation 2061863 (VCV002061863.5), dbSNP rs1211076650, ClinGen allele CA370987201.